The following is an entry in ClinVar:

ClinVar aggregate classification (germline): Uncertain significance (1 of 4 stars; one submission).

Allele frequency attached by ClinVar (database versions not stated): gnomAD exomes 0.00001; TOPMed 0.00001.
gnomAD v4.1: 5 of 1,608,012 alleles (0.00031%); highest among the groups gnomAD compares: Admixed American, 0.0067%; no homozygotes.

Submission:

Labcorp Genetics (formerly Invitae), Labcorp
Classification: Uncertain significance. Last evaluated: 2021-09-26. Review status: criteria provided, single submitter. Criteria: Invitae Variant Classification Sherloc (09022015). Collection method: clinical testing. Allele origin: germline.
Comment: This variant has not been reported in the literature in individuals affected with ORC4-related conditions. This variant is not present in population databases (ExAC no frequency). This sequence change replaces asparagine with serine at codon 271 of the ORC4 protein (p.Asn271Ser). The asparagine residue is weakly conserved and there is a small physicochemical difference between asparagine and serine. Algorithms developed to predict the effect of missense changes on protein structure and function output the following: SIFT: "Tolerated"; PolyPhen-2: "Benign"; Align-GVGD: "Class C0". The serine amino acid residue is found in multiple mammalian species, which suggests that this missense change does not adversely affect protein function. In summary, the available evidence is currently insufficient to determine the role of this variant in disease. Therefore, it has been classified as a Variant of Uncertain Significance.

NM_181741.4(ORC4):c.812A>G (p.Asn271Ser)

Gene: ORC4 (origin recognition complex subunit 4; minus strand). Cytogenetic location: 2q23.1.
Variant type: single nucleotide variant.
Coding change: c.812A>G on transcript NM_181741.4 (MANE Select); coding-DNA position 812, A replaced by G.
Protein change: p.Asn271Ser; replaces asparagine 271 with serine.
Molecular consequence: missense variant.
Genome position (GRCh38, 1-based): chr2:147,943,473, T>C on the plus strand (A>G on the coding strand, the complement: ORC4 is on the minus strand). VCF-style: chr2-147943473-T-C. GRCh37 (hg19) VCF-style: chr2-148701042-T-C.
Other names: c.812A>G, p.Asn271Ser (NM_001190879.3, NM_001374270.1, NM_002552.5 and 1 more transcripts); c.560A>G, p.Asn187Ser (NM_001190881.3, NM_001374272.1); c.590A>G, p.Asn197Ser (NM_001190882.3); short protein forms N187S, N197S, N271S.
Identifiers: ClinVar variation 1355506 (VCV001355506.4), dbSNP rs1315227032, ClinGen allele CA348711721.